The following is an entry in ClinVar:

ClinVar aggregate classification (germline): Uncertain significance (1 of 4 stars; one submission).

Submission:

Labcorp Genetics (formerly Invitae), Labcorp
Classification: Uncertain significance. Last evaluated: 2022-07-01. Review status: criteria provided, single submitter. Criteria: Invitae Variant Classification Sherloc (09022015). Collection method: clinical testing. Allele origin: germline.
Comment: In summary, the available evidence is currently insufficient to determine the role of this variant in disease. Therefore, it has been classified as a Variant of Uncertain Significance. Advanced modeling of protein sequence and biophysical properties (such as structural, functional, and spatial information, amino acid conservation, physicochemical variation, residue mobility, and thermodynamic stability) performed at Invitae indicates that this missense variant is not expected to disrupt CPLANE1 protein function. This variant has not been reported in the literature in individuals affected with CPLANE1-related conditions. This variant is not present in population databases (gnomAD no frequency). This sequence change replaces histidine, which is basic and polar, with leucine, which is neutral and non-polar, at codon 2743 of the CPLANE1 protein (p.His2743Leu).

NM_001384732.1(CPLANE1):c.8390A>T (p.His2797Leu)

Gene: CPLANE1 (ciliogenesis and planar polarity effector complex subunit 1; minus strand). Cytogenetic location: 5p13.2.
Variant type: single nucleotide variant.
Coding change: c.8390A>T on transcript NM_001384732.1 (MANE Select); coding-DNA position 8390, A replaced by T.
Protein change: p.His2797Leu; replaces histidine 2797 with leucine.
Molecular consequence: missense variant.
Genome position (GRCh38, 1-based): chr5:37,148,252, T>A on the plus strand (A>T on the coding strand, the complement: CPLANE1 is on the minus strand). VCF-style: chr5-37148252-T-A. GRCh37 (hg19) VCF-style: chr5-37148354-T-A.
Other names: c.8228A>T, p.His2743Leu (NM_023073.4); short protein forms H2743L, H2797L.
Identifiers: ClinVar variation 2012850 (VCV002012850.4), dbSNP rs2547194324, ClinGen allele CA359473390.